The following is an entry in ClinVar:

NM_001007228.2(SPOP):c.760A>G (p.Met254Val)

Gene: SPOP (speckle type BTB/POZ protein; minus strand). Cytogenetic location: 17q21.33.
Variant type: single nucleotide variant.
Coding change: c.760A>G on transcript NM_001007228.2 (MANE Select); coding-DNA position 760, A replaced by G.
Protein change: p.Met254Val; replaces methionine 254 with valine.
Molecular consequence: missense variant.
Genome position (GRCh38, 1-based): chr17:49,607,327, T>C on the plus strand (A>G on the coding strand, the complement: SPOP is on the minus strand). VCF-style: chr17-49607327-T-C. GRCh37 (hg19) VCF-style: chr17-47684689-T-C.
Other names: c.760A>G, p.Met254Val (NM_001007226.1, NM_001007227.1, NM_001007229.1 and 5 more transcripts); short protein forms M254V.
Identifiers: ClinVar variation 4057135 (VCV004057135.1).

ClinVar aggregate classification (germline): Uncertain significance (1 of 4 stars; one submission).

gnomAD v4.1: 1 of 1,614,142 alleles (0.000062%); highest among the groups gnomAD compares: Non-Finnish European, 0.000085%; no homozygotes.

Submission:

GeneDx
Classification: Uncertain significance. Last evaluated: 2025-01-09. Review status: criteria provided, single submitter. Criteria: GeneDx Variant Classification Process June 2021. Collection method: clinical testing. Allele origin: germline. Affected: yes.
Comment: In silico analysis supports that this missense variant has a deleterious effect on protein structure/function; Not observed at significant frequency in large population cohorts (gnomAD); Has not been previously published as pathogenic or benign to our knowledge